The following is an entry in ClinVar:

ClinVar aggregate classification (germline): Uncertain significance. Review status: criteria provided, multiple submitters, no conflicts (2 of 4 stars). 2 submissions from 2 submitters: Uncertain significance (2). Last evaluated 2024-11-06.

Allele frequency attached by ClinVar (database versions not stated): TOPMed 0.00001.

Submissions (2):

GeneDx
Classification: Uncertain significance. Last evaluated: 2024-11-06. Review status: criteria provided, single submitter. Criteria: GeneDx Variant Classification Process June 2021. Collection method: clinical testing. Allele origin: germline.
Comment: Not observed at significant frequency in large population cohorts (gnomAD); In silico analysis indicates that this missense variant does not alter protein structure/function; Has not been previously published as pathogenic or benign to our knowledge

Ambry Genetics
Classification: Uncertain significance. Last evaluated: 2024-02-26. Review status: criteria provided, single submitter. Criteria: Ambry Variant Classification Scheme 2023. Collection method: clinical testing. Allele origin: germline.

NM_001470.4(GABBR1):c.2134G>A (p.Ala712Thr)

Gene: GABBR1 (gamma-aminobutyric acid type B receptor subunit 1; minus strand). Cytogenetic location: 6p22.1.
Variant type: single nucleotide variant.
Coding change: c.2134G>A on transcript NM_001470.4 (MANE Select); coding-DNA position 2134, G replaced by A.
Protein change: p.Ala712Thr; replaces alanine 712 with threonine.
Molecular consequence: missense variant.
Genome position (GRCh38, 1-based): chr6:29,606,980, C>T on the plus strand (G>A on the coding strand, the complement: GABBR1 is on the minus strand). VCF-style: chr6-29606980-C-T. GRCh37 (hg19) VCF-style: chr6-29574757-C-T.
Other names: c.2134G>A (NM_001470.3); c.1603G>A, p.Ala535Thr (NM_001319053.2); c.1783G>A, p.Ala595Thr (NM_021903.3); c.1948G>A, p.Ala650Thr (NM_021904.4); short protein forms A650T, A595T, A712T, A535T.
Identifiers: ClinVar variation 3097789 (VCV003097789.3), dbSNP rs1582952817, ClinGen allele CA363032253.